The following is an entry in ClinVar:

NM_000365.6(TPI1):c.376G>A (p.Ala126Thr)

Gene: TPI1 (triosephosphate isomerase 1; plus strand). Cytogenetic location: 12p13.31.
Variant type: single nucleotide variant.
Coding change: c.376G>A on transcript NM_000365.6 (MANE Select); coding-DNA position 376, G replaced by A.
Protein change: p.Ala126Thr; replaces alanine 126 with threonine.
Molecular consequence: missense variant.
Genome position (GRCh38, 1-based): chr12:6,869,309, G>A. VCF-style: chr12-6869309-G-A. GRCh37 (hg19) VCF-style: chr12-6978473-G-A.
Other names: c.487G>A, p.Ala163Thr (NM_001159287.1); c.130G>A, p.Ala44Thr (NM_001258026.2); short protein forms A163T, A44T, A126T.
Identifiers: ClinVar variation 2174398 (VCV002174398.1), dbSNP rs374074904, ClinGen allele CA6418921.

ClinVar aggregate classification (germline): Uncertain significance (1 of 4 stars; one submission).

Allele frequency attached by ClinVar (database versions not stated): gnomAD 0.00005; ESP Exome Variant Server 0.00015.
gnomAD v4.1: 25 of 1,613,964 alleles (0.0015%); highest among the groups gnomAD compares: African/African-American, 0.019%; no homozygotes.

Submission:

Labcorp Genetics (formerly Invitae), Labcorp
Classification: Uncertain significance. Last evaluated: 2022-08-09. Review status: criteria provided, single submitter. Criteria: Invitae Variant Classification Sherloc (09022015). Collection method: clinical testing. Allele origin: germline.
Comment: This sequence change replaces alanine, which is neutral and non-polar, with threonine, which is neutral and polar, at codon 126 of the TPI1 protein (p.Ala126Thr). This variant is present in population databases (rs374074904, gnomAD 0.02%). This variant has not been reported in the literature in individuals affected with TPI1-related conditions. Algorithms developed to predict the effect of missense changes on protein structure and function are either unavailable or do not agree on the potential impact of this missense change (SIFT: "Tolerated"; PolyPhen-2: "Possibly Damaging"; Align-GVGD: "Class C0"). In summary, the available evidence is currently insufficient to determine the role of this variant in disease. Therefore, it has been classified as a Variant of Uncertain Significance.